The following is an entry in ClinVar:

NM_000275.3(OCA2):c.1844A>G (p.His615Arg)

Gene: OCA2 (OCA2 melanosomal transmembrane protein; minus strand). Cytogenetic location: 15q13.1.
Variant type: single nucleotide variant.
Coding change: c.1844A>G on transcript NM_000275.3 (MANE Select); coding-DNA position 1844, A replaced by G.
Protein change: p.His615Arg; replaces histidine 615 with arginine.
Molecular consequence: missense variant.
Genome position (GRCh38, 1-based): chr15:27,951,891, T>C on the plus strand (A>G on the coding strand, the complement: OCA2 is on the minus strand). VCF-style: chr15-27951891-T-C. GRCh37 (hg19) VCF-style: chr15-28197037-T-C.
Other names: c.1772A>G, p.His591Arg (NM_001300984.2); short protein forms H615R, H591R.
Identifiers: ClinVar variation 255724 (VCV000255724.21), dbSNP rs1800414, ClinGen allele CA7438873.

ClinVar aggregate classification (germline): Benign. Review status: criteria provided, multiple submitters, no conflicts (2 of 4 stars). 6 submissions from 6 submitters: Benign (6). Last evaluated 2026-02-04.

Conditions:
Tyrosinase-positive oculocutaneous albinism (OCA2). Also called: ALBINISM II; Oculocutaneous albinism type 2; Albinism, oculocutaneous, type II. Identifiers: Orphanet 79432, MedGen C0268495, MONDO:0008746, OMIM 203200.

Allele frequency attached by ClinVar (database versions not stated): ESP Exome Variant Server 0.00054; gnomAD 0.01432 and 0.02112; TOPMed 0.02407; 1000 Genomes Project 30x 0.11212; 1000 Genomes Project 0.12101.
gnomAD v4.1: 28,121 of 1,607,214 alleles (1.7%); highest among the groups gnomAD compares: East Asian, 58%; 7,783 homozygotes.

Submissions (6):

Labcorp Genetics (formerly Invitae), Labcorp
Classification: Benign. Last evaluated: 2026-02-04. Review status: criteria provided, single submitter. Criteria: Invitae Variant Classification Sherloc (09022015). Collection method: clinical testing. Allele origin: germline.

GeneDx
Classification: Benign. Last evaluated: 2021-09-03. Review status: criteria provided, single submitter. Criteria: GeneDx Variant Classification Process June 2021. Collection method: clinical testing. Allele origin: germline. Affected: yes.
Comment: This variant is associated with the following publications: (PMID: 25809079, 23165166, 26744415, 20221248, 21541274)

Illumina Laboratory Services, Illumina
Classification: Benign for Tyrosinase-positive oculocutaneous albinism. Last evaluated: 2018-03-06. Review status: criteria provided, single submitter. Criteria: ICSL Variant Classification Criteria 13 December 2019. Collection method: clinical testing. Allele origin: germline.
Comment: This variant was observed in the ICSL laboratory as part of a predisposition screen in an ostensibly healthy population. It had not been previously curated by ICSL or reported in the Human Gene Mutation Database (HGMD: prior to June 1st, 2018), and was therefore a candidate for classification through an automated scoring system. Utilizing variant allele frequency, disease prevalence and penetrance estimates, and inheritance mode, an automated score was calculated to assess if this variant is too frequent to cause the disease. Based on the score and internal cut-off values, a variant classified as benign is not then subjected to further curation. The score for this variant resulted in a classification of benign for this disease.

Eurofins Ntd Llc (ga)
Classification: Benign. Last evaluated: 2016-08-16. Review status: criteria provided, single submitter. Criteria: EGL Classification Definitions 2015. Collection method: clinical testing. Allele origin: germline. Observed: 2 variant alleles, 2 heterozygotes.

Breakthrough Genomics
Classification: Benign. Review status: criteria provided, single submitter. Criteria: ACMG Guidelines, 2015. Collection method: not provided. Allele origin: germline. Inheritance: Autosomal recessive inheritance. Affected: yes.

PreventionGenetics, part of Exact Sciences
Classification: Benign. Review status: criteria provided, single submitter. Criteria: ACMG Guidelines, 2015. Collection method: clinical testing. Allele origin: germline.